The following is an entry in ClinVar:

NM_000424.4(KRT5):c.1383G>A (p.Leu461=)

Genes: KRT5 (keratin 5; minus strand), LOC126861525 (BRD4-independent group 4 enhancer GRCh37_chr12:52909857-52911056; plus strand). Cytogenetic location: 12q13.13.
Variant type: single nucleotide variant.
Coding change: c.1383G>A on transcript NM_000424.4 (MANE Select); coding-DNA position 1383, G replaced by A.
Protein change: p.Leu461=; no amino-acid change (leucine 461 retained).
Molecular consequence: synonymous variant.
Genome position (GRCh38, 1-based): chr12:52,516,693, C>T on the plus strand (G>A on the coding strand, the complement: KRT5 is on the minus strand). VCF-style: chr12-52516693-C-T. GRCh37 (hg19) VCF-style: chr12-52910477-C-T.
Identifiers: ClinVar variation 739115 (VCV000739115.10), dbSNP rs142446757, ClinGen allele CA6582540.

ClinVar aggregate classification (germline): Benign/Likely benign. Review status: criteria provided, multiple submitters, no conflicts (2 of 4 stars). 2 submissions from 2 submitters: Benign (1); Likely benign (1). Last evaluated 2026-02-11.

Conditions:
KRT5-related disorder. Also called: KRT5-related condition.

Allele frequency attached by ClinVar (database versions not stated): gnomAD exomes 0.00007 and 0.00016; 1000 Genomes Project 30x 0.00016; ExAC 0.00016; 1000 Genomes Project 0.00020; TOPMed 0.00052; gnomAD 0.00053 and 0.00058; ESP Exome Variant Server 0.00069.

Submissions (2):

PreventionGenetics, part of Exact Sciences
Classification: Likely benign for KRT5-related condition. Last evaluated: 2026-02-11. Review status: criteria provided, single submitter. Criteria: ACMG Guidelines, 2015. Collection method: clinical testing. Allele origin: germline.
Comment: This variant is classified as likely benign based on ACMG/AMP sequence variant interpretation guidelines (Richards et al. 2015 PMID: 25741868, with internal and published modifications).

Labcorp Genetics (formerly Invitae), Labcorp
Classification: Benign. Last evaluated: 2024-07-29. Review status: criteria provided, single submitter. Criteria: Invitae Variant Classification Sherloc (09022015). Collection method: clinical testing. Allele origin: germline.